The following is an entry in ClinVar:

NM_001113491.2(SEPTIN9):c.1117G>A (p.Glu373Lys)

Gene: SEPTIN9 (septin 9; plus strand). Cytogenetic location: 17q25.3.
Variant type: single nucleotide variant.
Coding change: c.1117G>A on transcript NM_001113491.2 (MANE Select); coding-DNA position 1117, G replaced by A.
Protein change: p.Glu373Lys; replaces glutamic acid 373 with lysine.
Molecular consequence: missense variant.
Genome position (GRCh38, 1-based): chr17:77,488,314, G>A. VCF-style: chr17-77488314-G-A. GRCh37 (hg19) VCF-style: chr17-75484396-G-A.
Other names: c.625G>A, p.Glu209Lys (NM_001113492.2, NM_001113494.1); c.1096G>A, p.Glu366Lys (NM_001113493.2); c.364G>A, p.Glu122Lys (NM_001113495.2, NM_001113496.2, NM_001293697.2 and 1 more transcripts); c.1060G>A, p.Glu354Lys (NM_001293695.2); c.445G>A, p.Glu149Lys (NM_001293696.2); c.1063G>A, p.Glu355Lys (NM_006640.5); short protein forms E149K, E122K, E354K, E355K, E366K, E373K, E209K.
Identifiers: ClinVar variation 2989921 (VCV002989921.3), dbSNP rs762543093, ClinGen allele CA8793679.

ClinVar aggregate classification (germline): Uncertain significance (1 of 4 stars; one submission).

Allele frequency attached by ClinVar (database versions not stated): gnomAD 0.00001; ExAC 0.00003.
gnomAD v4.1: 17 of 1,613,072 alleles (0.0011%); highest among the groups gnomAD compares: Admixed American, 0.0017%; no homozygotes.

Submission:

Labcorp Genetics (formerly Invitae), Labcorp
Classification: Uncertain significance. Last evaluated: 2023-07-17. Review status: criteria provided, single submitter. Criteria: Invitae Variant Classification Sherloc (09022015). Collection method: clinical testing. Allele origin: germline.
Comment: This sequence change replaces glutamic acid, which is acidic and polar, with lysine, which is basic and polar, at codon 355 of the SEPT9 protein (p.Glu355Lys). In summary, the available evidence is currently insufficient to determine the role of this variant in disease. Therefore, it has been classified as a Variant of Uncertain Significance. Advanced modeling of protein sequence and biophysical properties (such as structural, functional, and spatial information, amino acid conservation, physicochemical variation, residue mobility, and thermodynamic stability) performed at Invitae indicates that this missense variant is not expected to disrupt SEPT9 protein function. This variant has not been reported in the literature in individuals affected with SEPT9-related conditions. This variant is present in population databases (rs762543093, gnomAD 0.004%).